The following is an entry in ClinVar:

ClinVar aggregate classification (germline): Pathogenic (1 of 4 stars; one submission).

Conditions:
Mitochondrial myopathy-lactic acidosis-deafness syndrome. Identifiers: Orphanet 2597, MedGen C1855033, MONDO:0016825, OMIM 251950.

Submission:

3billion
Classification: Pathogenic for Mitochondrial myopathy-lactic acidosis-deafness syndrome. Last evaluated: 2025-03-27. Review status: criteria provided, single submitter. Criteria: ACMG Guidelines, 2015. Collection method: clinical testing. Allele origin: germline. Affected: yes.
Comment: The variant is not observed in the gnomAD v4.1.0 dataset. Predicted Consequence/Location: Frameshift: predicted to result in a loss or disruption of normal protein function through nonsense-mediated decay (NMD) or protein truncation. Multiple pathogenic variants are reported downstream of the variant. The variant was homozygous. Therefore, this variant is classified as Pathogenic according to the recommendation of ACMG/AMP guideline.

NM_001256007.3(PNPLA8):c.620dup (p.Leu207fs)

Gene: PNPLA8 (patatin like domain 8, phospholipase A2; minus strand). Cytogenetic location: 7q31.1.
Variant type: Duplication.
Coding change: c.620dup on transcript NM_001256007.3 (MANE Select); coding-DNA position 620, one base duplicated (T; older notation c.620dupT).
Protein change: p.Leu207fs; shifts the reading frame from leucine 207.
Molecular consequence: frameshift variant.
Genome position (GRCh38, 1-based): chr7:108,514,872, A duplicated on the plus strand (T on the coding strand, the reverse complement: PNPLA8 is on the minus strand); the first of 5 consecutive A bases (chr7:108,514,872-108,514,876); duplicating any one gives the same sequence. VCF-style (leftmost placement, unchanged base first): chr7-108514871-T-TA. GRCh37 (hg19) VCF-style: chr7-108155315-T-TA.
Other names: c.620dup, p.Leu207fs (NM_001256008.3, NM_001256009.3, NM_015723.5); c.320dup, p.Leu107fs (NM_001256010.3, NM_001256011.3); short protein forms L107fs, L207fs.
Identifiers: ClinVar variation 4291772 (VCV004291772.1).